The following is an entry in ClinVar:

NM_003803.4(MYOM1):c.1358C>T (p.Ser453Leu)

Gene: MYOM1 (myomesin 1; minus strand). Cytogenetic location: 18p11.31.
Variant type: single nucleotide variant.
Coding change: c.1358C>T on transcript NM_003803.4 (MANE Select); coding-DNA position 1358, C replaced by T.
Protein change: p.Ser453Leu; replaces serine 453 with leucine.
Molecular consequence: missense variant.
Genome position (GRCh38, 1-based): chr18:3,164,421, G>A on the plus strand (C>T on the coding strand, the complement: MYOM1 is on the minus strand). VCF-style: chr18-3164421-G-A. GRCh37 (hg19) VCF-style: chr18-3164419-G-A.
Other names: c.1358C>T, p.Ser453Leu (NM_019856.2); short protein forms S453L.
Identifiers: ClinVar variation 410254 (VCV000410254.13), dbSNP rs368424215, ClinGen allele CA8874970.

ClinVar aggregate classification (germline): Uncertain significance. Review status: criteria provided, multiple submitters, no conflicts (2 of 4 stars). 3 submissions from 3 submitters: Uncertain significance (3). Last evaluated 2025-06-11.

Conditions:
MYOM1-related non-immune fetal hydrops.
Hypertrophic cardiomyopathy. Also called: HYPERTROPHIC MYOCARDIOPATHY. Identifiers: Orphanet 217569, MedGen C0007194, MeSH D002312, MONDO:0005045, HP:0001639.

Allele frequency attached by ClinVar (database versions not stated): TOPMed 0.00006; ESP Exome Variant Server 0.00016; gnomAD exomes 0.00001 and 0.00003; ExAC 0.00004; gnomAD 0.00006.
gnomAD v4.1: 30 of 1,603,478 alleles (0.0019%); highest among the groups gnomAD compares: African/African-American, 0.036%; no homozygotes.

Submissions (3):

Labcorp Genetics (formerly Invitae), Labcorp
Classification: Uncertain significance for Hypertrophic cardiomyopathy. Last evaluated: 2025-06-11. Review status: criteria provided, single submitter. Criteria: Invitae Variant Classification Sherloc (09022015). Collection method: clinical testing. Allele origin: germline.
Comment: This sequence change replaces serine, which is neutral and polar, with leucine, which is neutral and non-polar, at codon 453 of the MYOM1 protein (p.Ser453Leu). This variant is present in population databases (rs368424215, gnomAD 0.03%). This variant has not been reported in the literature in individuals affected with MYOM1-related conditions. ClinVar contains an entry for this variant (Variation ID: 410254). Invitae Evidence Modeling of protein sequence and biophysical properties (such as structural, functional, and spatial information, amino acid conservation, physicochemical variation, residue mobility, and thermodynamic stability) has been performed for this missense variant. However, the output from this modeling did not meet the statistical confidence thresholds required to predict the impact of this variant on MYOM1 protein function. In summary, the available evidence is currently insufficient to determine the role of this variant in disease. Therefore, it has been classified as a Variant of Uncertain Significance.

Ambry Genetics
Classification: Uncertain significance. Last evaluated: 2024-11-13. Review status: criteria provided, single submitter. Criteria: Ambry Variant Classification Scheme 2023. Collection method: clinical testing. Allele origin: germline.

Baylor Genetics
Classification: Uncertain significance for MYOM1-related non-immune fetal hydrops. Last evaluated: 2024-03-07. Review status: criteria provided, single submitter. Criteria: ACMG Guidelines, 2015. Collection method: clinical testing. Allele origin: unknown.